The following is an entry in ClinVar:

NM_021930.6(RINT1):c.1348A>G (p.Met450Val)

Gene: RINT1 (RAD50 interactor 1; plus strand). Cytogenetic location: 7q22.3.
Variant type: single nucleotide variant.
Coding change: c.1348A>G on transcript NM_021930.6 (MANE Select); coding-DNA position 1348, A replaced by G.
Protein change: p.Met450Val; replaces methionine 450 with valine.
Molecular consequence: missense variant. On other transcripts: non-coding transcript variant (1).
Genome position (GRCh38, 1-based): chr7:105,551,584, A>G. VCF-style: chr7-105551584-A-G. GRCh37 (hg19) VCF-style: chr7-105192031-A-G.
Other names: c.1114A>G, p.Met372Val (NM_001346599.2); c.325A>G, p.Met109Val (NM_001346600.2, NM_001346603.2); c.424A>G, p.Met142Val (NM_001346601.2); short protein forms M372V, M109V, M450V, M142V.
Identifiers: ClinVar variation 658051 (VCV000658051.13), dbSNP rs774078533, ClinGen allele CA4426665.
Genomic context (GRCh38, chr7:105,551,584, plus strand): 5'-CGACTGTAACTACTTAATTGACATAATTGTTTTGTCTGCTTATCAGTTGCTCTTCAAAAA[A>G]TGGACTCAATGCTTTCCTCAGAAGCTGCCTGGGTATCGCAATATAAGGATATCACTGACG-3'
Protein context (NP_068749.3, residues 440-460): TVERKFALQK[Met450Val]DSMLSSEAAW

ClinVar aggregate classification (germline): Uncertain significance. Review status: criteria provided, multiple submitters, no conflicts (2 of 4 stars). 3 submissions from 3 submitters: Uncertain significance (3). Last evaluated 2025-07-19.

Allele frequency attached by ClinVar (database versions not stated): gnomAD 0.00001; TOPMed 0.00002; gnomAD exomes 0.00003 and 0.00005; ExAC 0.00007.

Submissions (3):

Ambry Genetics
Classification: Uncertain significance. Last evaluated: 2025-07-19. Review status: criteria provided, single submitter. Criteria: Ambry Variant Classification Scheme 2023. Collection method: clinical testing. Allele origin: germline.
Comment: The p.M450V variant (also known as c.1348A>G), located in coding exon 10 of the RINT1 gene, results from an A to G substitution at nucleotide position 1348. The methionine at codon 450 is replaced by valine, an amino acid with highly similar properties. This amino acid position is well conserved in available vertebrate species. In addition, the in silico prediction for this alteration is inconclusive. The evidence for this gene-disease relationship is limited; therefore, the clinical significance of this alteration is unclear.

Labcorp Genetics (formerly Invitae), Labcorp
Classification: Uncertain significance. Last evaluated: 2020-12-10. Review status: criteria provided, single submitter. Criteria: Invitae Variant Classification Sherloc (09022015). Collection method: clinical testing. Allele origin: germline.
Comment: This variant has not been reported in the literature in individuals with RINT1-related disease. Algorithms developed to predict the effect of missense changes on protein structure and function are either unavailable or do not agree on the potential impact of this missense change (SIFT: "Deleterious"; PolyPhen-2: "Benign"; Align-GVGD: "Class C0"). In summary, the available evidence is currently insufficient to determine the role of this variant in disease. Therefore, it has been classified as a Variant of Uncertain Significance. This variant is present in population databases (rs774078533, ExAC 0.05%). This sequence change replaces methionine with valine at codon 450 of the RINT1 protein (p.Met450Val). The methionine residue is highly conserved and there is a small physicochemical difference between methionine and valine.

Breakthrough Genomics
Classification: Uncertain significance. Review status: criteria provided, single submitter. Criteria: ACMG Guidelines, 2015. Collection method: not provided. Allele origin: germline. Inheritance: Autosomal recessive inheritance. Affected: yes.

Literature cited by the submitters: PubMed 33471991 (cited by Ambry Genetics).